The following is an entry in ClinVar:

NM_003060.4(SLC22A5):c.1586+7A>C

Gene: SLC22A5 (solute carrier family 22 member 5; plus strand). Cytogenetic location: 5q31.1.
Variant type: single nucleotide variant.
Coding change: c.1586+7A>C on transcript NM_003060.4 (MANE Select); 7 bases into the intron after coding-DNA position 1586, A replaced by C.
Molecular consequence: intron variant.
Genome position (GRCh38, 1-based): chr5:132,393,818, A>C. VCF-style: chr5-132393818-A-C. GRCh37 (hg19) VCF-style: chr5-131729510-A-C.
Other names: p.?; c.1658+7A>C (NM_001308122.2).
Identifiers: ClinVar variation 3673619 (VCV003673619.3).

ClinVar aggregate classification (germline): Likely benign. Review status: criteria provided, multiple submitters, no conflicts (2 of 4 stars). 2 submissions from 2 submitters: Likely benign (2). Last evaluated 2025-10-10.

Conditions:
Renal carnitine transport defect (CDSP). Also called: CARNITINE DEFICIENCY, SYSTEMIC, DUE TO DEFECT IN RENAL REABSORPTION OF CARNITINE; CARNITINE TRANSPORTER, PLASMA-MEMBRANE, DEFICIENCY OF; CARNITINE UPTAKE DEFECT; Systemic primary carnitine deficiency disease; Primary carnitine deficiency; Systemic primary carnitine deficiency. Identifiers: Orphanet 158, MedGen C0342788, MONDO:0008919, OMIM 212140.

Submissions (2):

Mayo Clinic Laboratories, Mayo Clinic
Classification: Likely benign. Last evaluated: 2025-10-10. Review status: criteria provided, single submitter. Criteria: ACMG Guidelines, 2015. Collection method: clinical testing. Allele origin: germline. Observed: 1 variant allele.
Comment: BP4, BP7, PM2_supporting

Labcorp Genetics (formerly Invitae), Labcorp
Classification: Likely benign for Renal carnitine transport defect. Last evaluated: 2024-03-26. Review status: criteria provided, single submitter. Criteria: Invitae Variant Classification Sherloc (09022015). Collection method: clinical testing. Allele origin: germline.